The following is an entry in ClinVar:

ClinVar aggregate classification (germline): Uncertain significance. Review status: criteria provided, multiple submitters, no conflicts (2 of 4 stars). 2 submissions from 2 submitters: Uncertain significance (2). Last evaluated 2025-04-14.

Allele frequency attached by ClinVar (database versions not stated): gnomAD 0.00005; TOPMed 0.00005; ESP Exome Variant Server 0.00009.
gnomAD v4.1: 15 of 1,526,732 alleles (0.00098%); highest among the groups gnomAD compares: African/African-American, 0.0082%; no homozygotes.

Submissions (2):

Ambry Genetics
Classification: Uncertain significance. Last evaluated: 2025-04-14. Review status: criteria provided, single submitter. Criteria: Ambry Variant Classification Scheme 2023. Collection method: clinical testing. Allele origin: germline.

Labcorp Genetics (formerly Invitae), Labcorp
Classification: Uncertain significance. Last evaluated: 2024-10-22. Review status: criteria provided, single submitter. Criteria: Invitae Variant Classification Sherloc (09022015). Collection method: clinical testing. Allele origin: germline.
Comment: This sequence change replaces arginine, which is basic and polar, with glutamine, which is neutral and polar, at codon 49 of the DGKZ protein (p.Arg49Gln). The frequency data for this variant in the population databases is considered unreliable, as metrics indicate poor data quality at this position in the gnomAD database. This variant has not been reported in the literature in individuals affected with DGKZ-related conditions. ClinVar contains an entry for this variant (Variation ID: 1933561). An algorithm developed to predict the effect of missense changes on protein structure and function outputs the following: PolyPhen-2: "Benign". The glutamine amino acid residue is found in multiple mammalian species, which suggests that this missense change does not adversely affect protein function. In summary, the available evidence is currently insufficient to determine the role of this variant in disease. Therefore, it has been classified as a Variant of Uncertain Significance.

NM_001199267.2(DGKZ):c.162-889G>A

Gene: DGKZ (diacylglycerol kinase zeta; plus strand). Cytogenetic location: 11p11.2.
Variant type: single nucleotide variant.
Coding change: c.162-889G>A on transcript NM_001199267.2 (MANE Select); 889 bases into the intron before coding-DNA position 162, G replaced by A.
Molecular consequence: intron variant. On other transcripts: missense variant (1).
Genome position (GRCh38, 1-based): chr11:46,366,402, G>A. VCF-style: chr11-46366402-G-A. GRCh37 (hg19) VCF-style: chr11-46387952-G-A.
Other names: c.146G>A, p.Arg49Gln (NM_001105540.2); c.213-889G>A (NM_201532.3); c.177-889G>A (NM_201533.3); c.162-889G>A (NM_001199266.2, NM_003646.4, NM_001199268.2); c.146G>A (NM_001105540.1); short protein forms R49Q.
Identifiers: ClinVar variation 1933561 (VCV001933561.6), dbSNP rs369703712, ClinGen allele CA5962088.
Genomic context (GRCh38, chr11:46,366,402, plus strand): 5'-CCACAGGCAAGGCCCGGCGTCGCTCCCCCGCTGGGCAGGCCTCCTCCTCACTGGCACAGC[G>A]GCGCCGCTCCAGCGCCCAGCTCCAGGGCTGCCTCCTGAGTTGCGGGGTGAGGGCCCAGGG-3'